The following is an entry in ClinVar:

ClinVar aggregate classification (germline): Uncertain significance. Review status: criteria provided, multiple submitters, no conflicts (2 of 4 stars). 2 submissions from 2 submitters: Uncertain significance (2). Last evaluated 2025-06-03.

Conditions:
Autosomal dominant spastic paraplegia type 9. Identifiers: MedGen C1832669, MONDO:0015091.
de Barsy syndrome. Also called: Cutis laxa-corneal clouding-oligophrenia syndrome. Identifiers: Orphanet 2962, MedGen C0268354, MONDO:0017569.
Cutis laxa, autosomal dominant 3 (ADCL3). Identifiers: Orphanet 90348, MedGen C4225268, MONDO:0014706, OMIM 616603.

Submissions (2):

Labcorp Genetics (formerly Invitae), Labcorp
Classification: Uncertain significance for Autosomal dominant spastic paraplegia type 9; de Barsy syndrome; Cutis laxa, autosomal dominant 3. Last evaluated: 2025-06-03. Review status: criteria provided, single submitter. Criteria: Invitae Variant Classification Sherloc (09022015). Collection method: clinical testing. Allele origin: germline.
Comment: This sequence change replaces glutamic acid, which is acidic and polar, with aspartic acid, which is acidic and polar, at codon 616 of the ALDH18A1 protein (p.Glu616Asp). This variant is not present in population databases (gnomAD no frequency). This variant has not been reported in the literature in individuals affected with ALDH18A1-related conditions. ClinVar contains an entry for this variant (Variation ID: 1311607). Invitae Evidence Modeling of protein sequence and biophysical properties (such as structural, functional, and spatial information, amino acid conservation, physicochemical variation, residue mobility, and thermodynamic stability) has been performed for this missense variant. However, the output from this modeling did not meet the statistical confidence thresholds required to predict the impact of this variant on ALDH18A1 protein function. In summary, the available evidence is currently insufficient to determine the role of this variant in disease. Therefore, it has been classified as a Variant of Uncertain Significance.

GeneDx
Classification: Uncertain significance. Last evaluated: 2020-01-02. Review status: criteria provided, single submitter. Criteria: GeneDx Variant Classification Process June 2021. Collection method: clinical testing. Allele origin: germline. Affected: yes.
Comment: Has not been previously published as pathogenic or benign to our knowledge; Not observed in large population cohorts (Lek et al., 2016); In silico analysis, which includes protein predictors and evolutionary conservation, supports a deleterious effect

NM_002860.4(ALDH18A1):c.1848G>C (p.Glu616Asp)

Gene: ALDH18A1 (aldehyde dehydrogenase 18 family member A1; minus strand). Cytogenetic location: 10q24.1.
Variant type: single nucleotide variant.
Coding change: c.1848G>C on transcript NM_002860.4 (MANE Select); coding-DNA position 1848, G replaced by C.
Protein change: p.Glu616Asp; replaces glutamic acid 616 with aspartic acid.
Molecular consequence: missense variant.
Genome position (GRCh38, 1-based): chr10:95,613,817, C>G on the plus strand (G>C on the coding strand, the complement: ALDH18A1 is on the minus strand). VCF-style: chr10-95613817-C-G. GRCh37 (hg19) VCF-style: chr10-97373574-C-G.
Other names: c.1842G>C, p.Glu614Asp (NM_001017423.2, NM_001323415.2); c.1515G>C, p.Glu505Asp (NM_001323412.2, NM_001323416.2); c.1848G>C, p.Glu616Asp (NM_001323413.2, NM_001323414.2); c.1743G>C, p.Glu581Asp (NM_001323417.2); c.1509G>C, p.Glu503Asp (NM_001323418.2); c.1212G>C, p.Glu404Asp (NM_001323419.2); short protein forms E404D, E503D, E505D, E581D, E614D, E616D.
Identifiers: ClinVar variation 1311607 (VCV001311607.3), dbSNP rs2139540256, ClinGen allele CA377700363.